The following is an entry in ClinVar:

ClinVar aggregate classification (germline): Uncertain significance. Review status: criteria provided, multiple submitters, no conflicts (2 of 4 stars). 3 submissions from 3 submitters: Uncertain significance (3). Last evaluated 2026-06-23.

Conditions:
FBXO38-related disorder. Also called: FBXO38-related condition.
Distal hereditary motor neuropathy type 2. Identifiers: Orphanet 139525, MedGen C3711384, MeSH C580044, MONDO:0015352.

Allele frequency attached by ClinVar (database versions not stated): ExAC 0.00001; gnomAD 0.00001; gnomAD exomes 0.00001; TOPMed 0.00002.
gnomAD v4.1: 59 of 1,613,932 alleles (0.0037%); highest among the groups gnomAD compares: East Asian, 0.0089%; no homozygotes.

Submissions (3):

PreventionGenetics, part of Exact Sciences
Classification: Uncertain significance for FBXO38-related condition. Last evaluated: 2026-06-23. Review status: criteria provided, single submitter. Criteria: ACMG Guidelines, 2015. Collection method: clinical testing. Allele origin: germline.
Comment: The FBXO38 c.2423C>T variant is predicted to result in the amino acid substitution p.Pro808Leu. To our knowledge, this variant has not been reported in the literature. This variant is reported in 0.0062% of alleles in individuals of African descent in gnomAD. At this time, the clinical significance of this variant is uncertain due to the absence of conclusive functional and genetic evidence.

Labcorp Genetics (formerly Invitae), Labcorp
Classification: Uncertain significance for Distal hereditary motor neuropathy type 2. Last evaluated: 2024-08-15. Review status: criteria provided, single submitter. Criteria: Invitae Variant Classification Sherloc (09022015). Collection method: clinical testing. Allele origin: germline.
Comment: This sequence change replaces proline, which is neutral and non-polar, with leucine, which is neutral and non-polar, at codon 808 of the FBXO38 protein (p.Pro808Leu). This variant is present in population databases (rs757209133, gnomAD 0.007%). This variant has not been reported in the literature in individuals affected with FBXO38-related conditions. ClinVar contains an entry for this variant (Variation ID: 541010). Invitae Evidence Modeling of protein sequence and biophysical properties (such as structural, functional, and spatial information, amino acid conservation, physicochemical variation, residue mobility, and thermodynamic stability) indicates that this missense variant is not expected to disrupt FBXO38 protein function with a negative predictive value of 80%. In summary, the available evidence is currently insufficient to determine the role of this variant in disease. Therefore, it has been classified as a Variant of Uncertain Significance.

Ambry Genetics
Classification: Uncertain significance. Last evaluated: 2021-11-22. Review status: criteria provided, single submitter. Criteria: Ambry Variant Classification Scheme 2023. Collection method: clinical testing. Allele origin: germline.
Comment: The p.P808L variant (also known as c.2423C>T), located in coding exon 14 of the FBXO38 gene, results from a C to T substitution at nucleotide position 2423. The proline at codon 808 is replaced by leucine, an amino acid with similar properties. This amino acid position is highly conserved in available vertebrate species. In addition, this alteration is predicted to be tolerated by in silico analysis. Since supporting evidence is limited at this time, the clinical significance of this alteration remains unclear.

NM_205836.3(FBXO38):c.2423C>T (p.Pro808Leu)

Gene: FBXO38 (F-box protein 38; plus strand). Cytogenetic location: 5q32.
Variant type: single nucleotide variant.
Coding change: c.2423C>T on transcript NM_205836.3 (MANE Select); coding-DNA position 2423, C replaced by T.
Protein change: p.Pro808Leu; replaces proline 808 with leucine.
Molecular consequence: missense variant. On other transcripts: intron variant (1).
Genome position (GRCh38, 1-based): chr5:148,427,717, C>T. VCF-style: chr5-148427717-C-T. GRCh37 (hg19) VCF-style: chr5-147807280-C-T.
Other names: c.2423C>T, p.Pro808Leu (NM_030793.5); c.1918+2016C>T (NM_001271723.2); short protein forms P808L.
Identifiers: ClinVar variation 541010 (VCV000541010.15), dbSNP rs757209133, ClinGen allele CA3497508.